The following is an entry in ClinVar:

NM_203446.3(SYNJ1):c.1555A>G (p.Ser519Gly)

Gene: SYNJ1 (synaptojanin 1; minus strand). Cytogenetic location: 21q22.11.
Variant type: single nucleotide variant.
Coding change: c.1555A>G on transcript NM_203446.3 (MANE Select); coding-DNA position 1555, A replaced by G.
Protein change: p.Ser519Gly; replaces serine 519 with glycine.
Molecular consequence: missense variant.
Genome position (GRCh38, 1-based): chr21:32,673,511, T>C on the plus strand (A>G on the coding strand, the complement: SYNJ1 is on the minus strand). VCF-style: chr21-32673511-T-C. GRCh37 (hg19) VCF-style: chr21-34045821-T-C.
Other names: c.1555A>G, p.Ser519Gly (NM_001160302.2); c.1540A>G, p.Ser514Gly (NM_001160306.2); c.1672A>G, p.Ser558Gly (NM_003895.4); short protein forms S558G, S514G, S519G.
Identifiers: ClinVar variation 478329 (VCV000478329.44), dbSNP rs148901211, ClinGen allele CA10003845.

ClinVar aggregate classification (germline): Uncertain significance. Review status: criteria provided, multiple submitters, no conflicts (2 of 4 stars). 2 submissions from 2 submitters: Uncertain significance (2). Last evaluated 2022-07-12.

Conditions:
Developmental and epileptic encephalopathy, 53. Also called: Epileptic encephalopathy, early infantile, 53. Identifiers: MedGen C4479313, MONDO:0033362, OMIM 617389.
Early-onset Parkinson disease 20. Also called: PARKINSON DISEASE 20, AUTOSOMAL RECESSIVE EARLY-ONSET. Identifiers: Orphanet 391411, MedGen C3809824, MONDO:0014233, OMIM 615530.

Allele frequency attached by ClinVar (database versions not stated): gnomAD exomes 0.00004; ExAC 0.00006; TOPMed 0.00008; gnomAD 0.00009; ESP Exome Variant Server 0.00023.
gnomAD v4.1: 152 of 1,610,444 alleles (0.0094%); highest among the groups gnomAD compares: Non-Finnish European, 0.012%; no homozygotes.

Submissions (2):

Labcorp Genetics (formerly Invitae), Labcorp
Classification: Uncertain significance for Developmental and epileptic encephalopathy, 53; Early-onset Parkinson disease 20. Last evaluated: 2022-07-12. Review status: criteria provided, single submitter. Criteria: Invitae Variant Classification Sherloc (09022015). Collection method: clinical testing. Allele origin: germline.
Comment: This sequence change replaces serine, which is neutral and polar, with glycine, which is neutral and non-polar, at codon 558 of the SYNJ1 protein (p.Ser558Gly). This variant is present in population databases (rs148901211, gnomAD 0.008%). This variant has not been reported in the literature in individuals affected with SYNJ1-related conditions. ClinVar contains an entry for this variant (Variation ID: 478329). Algorithms developed to predict the effect of missense changes on protein structure and function (SIFT, PolyPhen-2, Align-GVGD) all suggest that this variant is likely to be tolerated. In summary, the available evidence is currently insufficient to determine the role of this variant in disease. Therefore, it has been classified as a Variant of Uncertain Significance.

CeGaT Center for Human Genetics Tuebingen
Classification: Uncertain significance. Last evaluated: 2020-02-01. Review status: criteria provided, single submitter. Criteria: CeGaT Center For Human Genetics Tuebingen Variant Classification Criteria Version 2. Collection method: clinical testing. Allele origin: germline. Affected: yes. Observed: 1 variant allele.